The following is an entry in ClinVar:

ClinVar aggregate classification (germline): Uncertain significance (1 of 4 stars; one submission).

Conditions:
Inborn genetic diseases. Identifiers: MedGen C0950123, MeSH D030342.

Submission:

Ambry Genetics
Classification: Uncertain significance for Inborn genetic diseases. Last evaluated: 2025-09-13. Review status: criteria provided, single submitter. Criteria: Ambry Variant Classification Scheme 2023. Collection method: clinical testing. Allele origin: germline.
Comment: The p.E197Q variant (also known as c.589G>C), located in coding exon 5 of the RECQL4 gene, results from a G to C substitution at nucleotide position 589. The glutamic acid at codon 197 is replaced by glutamine, an amino acid with highly similar properties. This amino acid position is conserved. In addition, this alteration is predicted to be tolerated by in silico analysis. Based on the available evidence, the clinical significance of this variant remains unclear.

NM_004260.4(RECQL4):c.589G>C (p.Glu197Gln)

Gene: RECQL4 (RecQ like helicase 4; minus strand). Cytogenetic location: 8q24.3.
Variant type: single nucleotide variant.
Coding change: c.589G>C on transcript NM_004260.4 (MANE Select); coding-DNA position 589, G replaced by C.
Protein change: p.Glu197Gln; replaces glutamic acid 197 with glutamine.
Molecular consequence: missense variant. On other transcripts: 5 prime UTR variant (15), non-coding transcript variant (3), intron variant (3).
Genome position (GRCh38, 1-based): chr8:144,516,530, C>G on the plus strand (G>C on the coding strand, the complement: RECQL4 is on the minus strand). VCF-style: chr8-144516530-C-G. GRCh37 (hg19) VCF-style: chr8-145741914-C-G.
Other names: c.589G>C, p.Glu197Gln (NM_001413017.1, NM_001413018.1, NM_001413019.1 and 4 more transcripts); c.-483G>C (NM_001413022.1, NM_001413023.1, NM_001413024.1 and 5 more transcripts); c.460G>C, p.Glu154Gln (NM_001413025.1); c.-545G>C (NM_001413027.1, NM_001413030.1, NM_001413031.1 and 2 more transcripts); c.-387G>C (NM_001413034.1); c.-752G>C (NM_001413043.1); c.355-117G>C (NM_001413029.1); c.-366-117G>C (NM_001413021.1, NM_001413028.1); short protein forms E197Q, E154Q.
Identifiers: ClinVar variation 4152443 (VCV004152443.1).